The following is an entry in ClinVar:

ClinVar aggregate classification (germline): Uncertain significance. Review status: criteria provided, multiple submitters, no conflicts (2 of 4 stars). 2 submissions from 2 submitters: Uncertain significance (2). Last evaluated 2025-08-06.

Conditions:
Kabuki syndrome 1 (KABUK1). Also called: KMT2D-Related Kabuki Syndrome. Identifiers: Orphanet 2322, MedGen CN030661, MONDO:0007843, OMIM 147920.
Choanal atresia-athelia-hypothyroidism-delayed puberty-short stature syndrome (BCAHH). Also called: BRANCHIAL ARCH ABNORMALITIES, CHOANAL ATRESIA, ATHELIA, HEARING LOSS, AND HYPOTHYROIDISM SYNDROME. Identifiers: Orphanet 589856, MedGen C5680310, MONDO:0035651, OMIM 620186.

gnomAD v4.1: 6 of 1,613,758 alleles (0.00037%); highest among the groups gnomAD compares: East Asian, 0.0022%; no homozygotes.

Submissions (2):

Dasa
Classification: Uncertain significance. Last evaluated: 2025-08-06. Review status: criteria provided, single submitter. Criteria: DASA Assertion Criteria. Collection method: clinical testing. Allele origin: germline.
Comment: NM_003482.4(KMT2D):c.5551G>A (p.Val1851Met) is a missense variant that results in the substitution of valine with methionine. This variant is rare in population databases. The currently available literature and clinical evidence are not sufficient to establish a definitive association between this variant and the reported condition. Therefore, this variant is classified as a variant of uncertain significance.

Fulgent Genetics
Classification: Uncertain significance for Kabuki syndrome 1; Choanal atresia-athelia-hypothyroidism-delayed puberty-short stature syndrome. Last evaluated: 2024-04-25. Review status: criteria provided, single submitter. Criteria: ACMG Guidelines, 2015. Collection method: clinical testing. Allele origin: germline.

NM_003482.4(KMT2D):c.5551G>A (p.Val1851Met)

Gene: KMT2D (lysine methyltransferase 2D; minus strand). Cytogenetic location: 12q13.12.
Variant type: single nucleotide variant.
Coding change: c.5551G>A on transcript NM_003482.4 (MANE Select); coding-DNA position 5551, G replaced by A.
Protein change: p.Val1851Met; replaces valine 1851 with methionine.
Molecular consequence: missense variant.
Genome position (GRCh38, 1-based): chr12:49,043,169, C>T on the plus strand (G>A on the coding strand, the complement: KMT2D is on the minus strand). VCF-style: chr12-49043169-C-T. GRCh37 (hg19) VCF-style: chr12-49436952-C-T.
Other names: short protein forms V1851M.
Identifiers: ClinVar variation 3574798 (VCV003574798.3).